The following is an entry in ClinVar:

NM_001376.5(DYNC1H1):c.13157A>G (p.Asn4386Ser)

Gene: DYNC1H1 (dynein cytoplasmic 1 heavy chain 1; plus strand). Cytogenetic location: 14q32.31.
Variant type: single nucleotide variant.
Coding change: c.13157A>G on transcript NM_001376.5 (MANE Select); coding-DNA position 13157, A replaced by G.
Protein change: p.Asn4386Ser; replaces asparagine 4386 with serine.
Molecular consequence: missense variant.
Genome position (GRCh38, 1-based): chr14:102,047,967, A>G. VCF-style: chr14-102047967-A-G. GRCh37 (hg19) VCF-style: chr14-102514304-A-G.
Other names: short protein forms N4386S.
Identifiers: ClinVar variation 539755 (VCV000539755.17), dbSNP rs201575292, ClinGen allele CA7354158.

ClinVar aggregate classification (germline): Conflicting classifications of pathogenicity. Review status: criteria provided, conflicting classifications (1 of 4 stars). 5 submissions from 4 submitters: Uncertain significance (2); Likely benign (3). Last evaluated 2025-10-16.

Conditions:
Charcot-Marie-Tooth disease axonal type 2O. Also called: CHARCOT-MARIE-TOOTH NEUROPATHY, AXONAL, TYPE 2O; CHARCOT-MARIE-TOOTH DISEASE, AXONAL, AUTOSOMAL DOMINANT, TYPE 2O; Charcot-Marie-Tooth disease, axonal, type 20; Charcot-Marie-Tooth Neuropathy Type 2O. Identifiers: Orphanet 284232, MedGen C3280220, MONDO:0013644, OMIM 614228.
DYNC1H1-related disorder. Also called: DYNC1H1-related condition; DYNC1H1-related disorders. Identifiers: MedGen CN381529.
Inborn genetic diseases. Identifiers: MedGen C0950123, MeSH D030342.
Autosomal dominant cerebellar ataxia. Also called: Spinocerebellar Ataxia, Dominant. Identifiers: Orphanet 99, MedGen C4087347, MONDO:0020380.

Allele frequency attached by ClinVar (database versions not stated): ExAC 0.00001; gnomAD 0.00001; TOPMed 0.00004; gnomAD exomes 0.00008.
gnomAD v4.1: 118 of 1,612,834 alleles (0.0073%); highest among the groups gnomAD compares: East Asian, 0.011%; no homozygotes.

Submissions (5):

Labcorp Genetics (formerly Invitae), Labcorp
Classification: Likely benign for Charcot-Marie-Tooth disease axonal type 2O. Last evaluated: 2025-10-16. Review status: criteria provided, single submitter. Criteria: Invitae Variant Classification Sherloc (09022015). Collection method: clinical testing. Allele origin: germline.

PreventionGenetics, part of Exact Sciences
Classification: Likely benign for DYNC1H1-related condition. Last evaluated: 2025-02-13. Review status: criteria provided, single submitter. Criteria: ACMG Guidelines, 2015. Collection method: clinical testing. Allele origin: germline.
Comment: This variant is classified as likely benign based on ACMG/AMP sequence variant interpretation guidelines (Richards et al. 2015 PMID: 25741868, with internal and published modifications).

Illumina Laboratory Services, Illumina
Classification: Uncertain significance for Spinocerebellar Ataxia, Dominant. Last evaluated: 2018-01-13. Review status: criteria provided, single submitter. Criteria: ICSL Variant Classification Criteria 13 December 2019. Collection method: clinical testing. Allele origin: germline.

Illumina Laboratory Services, Illumina
Classification: Uncertain significance for Charcot-Marie-Tooth disease axonal type 2O. Last evaluated: 2018-01-13. Review status: criteria provided, single submitter. Criteria: ICSL Variant Classification Criteria 13 December 2019. Collection method: clinical testing. Allele origin: germline.

Ambry Genetics
Classification: Likely benign for Inborn genetic diseases. Last evaluated: 2017-09-29. Review status: criteria provided, single submitter. Criteria: Ambry Variant Classification Scheme 2023. Collection method: clinical testing. Allele origin: germline.